The following is an entry in ClinVar:

NM_014140.4(SMARCAL1):c.2308C>T (p.Gln770Ter)

Gene: SMARCAL1 (SNF2 related chromatin remodeling annealing helicase 1; plus strand). Cytogenetic location: 2q35.
Variant type: single nucleotide variant.
Coding change: c.2308C>T on transcript NM_014140.4 (MANE Select); coding-DNA position 2308, C replaced by T.
Protein change: p.Gln770Ter; replaces glutamine 770 with a stop codon.
Molecular consequence: nonsense.
Genome position (GRCh38, 1-based): chr2:216,475,332, C>T. VCF-style: chr2-216475332-C-T. GRCh37 (hg19) VCF-style: chr2-217340055-C-T.
Other names: c.2308C>T, p.Gln770Ter (NM_001127207.2); short protein forms Q770*.
Identifiers: ClinVar variation 2734392 (VCV002734392.4), dbSNP rs1006690042, ClinGen allele CA350504044.

ClinVar aggregate classification (germline): Pathogenic. Review status: criteria provided, multiple submitters, no conflicts (2 of 4 stars). 2 submissions from 2 submitters: Pathogenic (2). Last evaluated 2024-09-21.

Conditions:
Schimke immuno-osseous dysplasia (SIOD). Also called: Schimke Immunoosseous Dysplasia. Identifiers: Orphanet 1830, MedGen C0877024, MONDO:0009458, OMIM 242900.

Allele frequency attached by ClinVar (database versions not stated): gnomAD exomes below 0.00001.
gnomAD v4.1: 1 of 1,614,228 alleles (0.000062%); highest among the groups gnomAD compares: South Asian, 0.0011%; no homozygotes.

Submissions (2):

Natera, Inc.
Classification: Pathogenic for Schimke immuno-osseous dysplasia. Last evaluated: 2024-09-21. Review status: criteria provided, single submitter. Criteria: Natera Variant Classification Schema (03/2026). Collection method: clinical testing. Allele origin: germline.
Comment: The c.2308C>T variant in SMARCAL1 is a nonsense variant predicted to introduce a stop codon at amino acid 770. This variant is expected to result in nonsense mediated decay, truncation, or a dysfunctional protein product. This variant is rare in the general population with a frequency below the threshold expected for the associated phenotype(s). This variant has been observed in one or more individuals affected with the associated recessive disease, as either homozygous or compound heterozygous with a second variant (PMID: 28796785). Given the available evidence, this variant is classified as Pathogenic.

Labcorp Genetics (formerly Invitae), Labcorp
Classification: Pathogenic for Schimke immuno-osseous dysplasia. Last evaluated: 2023-04-15. Review status: criteria provided, single submitter. Criteria: Invitae Variant Classification Sherloc (09022015). Collection method: clinical testing. Allele origin: germline.
Comment: For these reasons, this variant has been classified as Pathogenic. This premature translational stop signal has been observed in individual(s) with Schimke immuno-osseous dysplasia (PMID: 28796785). This variant is not present in population databases (gnomAD no frequency). This sequence change creates a premature translational stop signal (p.Gln770*) in the SMARCAL1 gene. It is expected to result in an absent or disrupted protein product. Loss-of-function variants in SMARCAL1 are known to be pathogenic (PMID: 11799392, 20301550).

Literature cited by the submitters: PubMed 28796785 (cited by Natera, Inc. and Labcorp Genetics (formerly Invitae), Labcorp); PubMed 11799392 (cited by Labcorp Genetics (formerly Invitae), Labcorp); PubMed 20301550 (cited by Labcorp Genetics (formerly Invitae), Labcorp).